The following is an entry in ClinVar:

ClinVar aggregate classification (germline): Likely benign (0 of 4 stars; one submission).

Conditions:
SLC22A5-related disorder. Also called: SLC22A5-related condition.

Allele frequency attached by ClinVar (database versions not stated): gnomAD exomes 0.00002; TOPMed 0.00003; gnomAD 0.00005; ExAC 0.00009.
gnomAD v4.1: 42 of 1,613,858 alleles (0.0026%); highest among the groups gnomAD compares: East Asian, 0.033%; no homozygotes.

Submission:

PreventionGenetics, part of Exact Sciences
Classification: Likely benign for SLC22A5-related condition. Last evaluated: 2019-08-17. Review status: no assertion criteria provided. Collection method: clinical testing. Allele origin: germline.
Comment: This variant is classified as likely benign based on ACMG/AMP sequence variant interpretation guidelines (Richards et al. 2015 PMID: 25741868, with internal and published modifications).

NM_003060.4(SLC22A5):c.394-139A>C

Gene: SLC22A5 (solute carrier family 22 member 5; plus strand). Cytogenetic location: 5q31.1.
Variant type: single nucleotide variant.
Coding change: c.394-139A>C on transcript NM_003060.4 (MANE Select); 139 bases into the intron before coding-DNA position 394, A replaced by C.
Molecular consequence: intron variant.
Genome position (GRCh38, 1-based): chr5:132,378,239, A>C. VCF-style: chr5-132378239-A-C. GRCh37 (hg19) VCF-style: chr5-131713931-A-C.
Other names: c.465+4A>C (NM_001308122.2).
Identifiers: ClinVar variation 3052903 (VCV003052903.2), dbSNP rs767059559, ClinGen allele CA3403866.
Genomic context (GRCh38, chr5:132,378,239, plus strand): 5'-TACAATGCTATGAAAAACAGGATGGGAAAGAAGCCTGCTCTCTGCCTTCCTGCCCAGGTG[A>C]GCCATCACCTGACTAAGTGAGTTCACACTCAGAGCGTGTGGGGATGGCAGGATGTTCTGA-3'